The following is an entry in ClinVar:

NM_024079.5(ALG8):c.121C>T (p.Arg41Ter)

Gene: ALG8 (ALG8 alpha-1,3-glucosyltransferase; minus strand). Cytogenetic location: 11q14.1.
Variant type: single nucleotide variant.
Coding change: c.121C>T on transcript NM_024079.5 (MANE Select); coding-DNA position 121, C replaced by T.
Protein change: p.Arg41Ter; replaces arginine 41 with a stop codon.
Molecular consequence: nonsense.
Genome position (GRCh38, 1-based): chr11:78,127,411, G>A on the plus strand (C>T on the coding strand, the complement: ALG8 is on the minus strand). VCF-style: chr11-78127411-G-A. GRCh37 (hg19) VCF-style: chr11-77838457-G-A.
Other names: c.121C>T, p.Arg41Ter (NM_001007027.3); short protein forms R41*.
Identifiers: ClinVar variation 96090 (VCV000096090.20), dbSNP rs200888240, ClinGen allele CA223729.

ClinVar aggregate classification (germline): Pathogenic/Likely pathogenic. Review status: criteria provided, multiple submitters, no conflicts (2 of 4 stars). 10 submissions from 10 submitters: Pathogenic (9); Likely pathogenic (1). Last evaluated 2026-08-31.

Conditions:
Polycystic liver disease 3 with or without kidney cysts. Identifiers: MedGen C4693472, MONDO:0054743, OMIM 617874.
Familial cystic renal disease. Identifiers: Orphanet 93587, MedGen C5680285, MONDO:0019741.
ALG8 congenital disorder of glycosylation. Also called: CONGENITAL DISORDER OF GLYCOSYLATION, TYPE Ih; CDG Ih; ALG8-CDG. Identifiers: Orphanet 79325, MedGen C2931002, MONDO:0011969, OMIM 608104.

Allele frequency attached by ClinVar (database versions not stated): TOPMed 0.00005; 1000 Genomes Project 30x 0.00016; 1000 Genomes Project 0.00020.
gnomAD v4.1: 47 of 1,613,550 alleles (0.0029%); highest among the groups gnomAD compares: African/African-American, 0.008%; no homozygotes.

Submissions (10):

GeneDx
Classification: Pathogenic. Last evaluated: 2026-08-31. Review status: criteria provided, single submitter. Criteria: GeneDx Variant Classification Process June 2021. Collection method: clinical testing. Allele origin: germline.
Comment: Nonsense variant predicted to result in protein truncation or nonsense mediated decay in a gene for which loss of function is a known mechanism of disease; Not observed at significant frequency in large population cohorts (gnomAD); This variant is associated with the following publications: (PMID: 31589614, Apple2022[abstract], 36574950, 39899384, 35716054)

Dasa
Classification: Pathogenic. Last evaluated: 2025-11-28. Review status: criteria provided, single submitter. Criteria: DASA Assertion Criteria. Collection method: clinical testing. Allele origin: germline.
Comment: NM_024079.5(ALG8):c.121C>T (p.Arg41*) introduces a premature termination codon predicted to result in loss of normal protein function. Loss-of-function is an established mechanism of disease for this gene. This variant has been observed in affected individuals with related phenotype in a genotype context consistent with recessive disease (PMID: 35716054). This variant has been reported in individuals with related phenotype (PMID: 35716054). The variant is present at low frequency in population datasets. Based on the available data, this variant is classified as pathogenic.

Mayo Translational Polycystic Kidney Disease Center, Mayo Clinic
Classification: Pathogenic for Familial cystic renal disease. Last evaluated: 2025-06-01. Review status: criteria provided, single submitter. Criteria: ACMG Guidelines, 2015. Collection method: research. Allele origin: germline. Inheritance: Autosomal dominant inheritance. Affected: yes.
Comment: The c.121C>T variant in the ALG8 gene results in a premature stop codon at amino acid position 41 (p.Arg41Ter), leading to early truncation of the protein. This nonsense mutation is predicted to cause loss of normal protein function either through truncated protein product, fulfilling the PVS1 criterion. The variant is extremely rare, with an allele frequency of <0.01% in gnomAD v4.1.0, supporting PM2. Clinically, it has been identified in at least three unrelated individuals with combined polycystic liver and kidney disease, a phenotype consistent with ALG8-related disease, providing evidence for PP4 (Jawaid, 2025). Given the nature of the mutation, its rarity in population databases, and its consistent presence in affected individuals, the variant is classified as pathogenic.

Labcorp Genetics (formerly Invitae), Labcorp
Classification: Pathogenic for ALG8 congenital disorder of glycosylation. Last evaluated: 2025-04-18. Review status: criteria provided, single submitter. Criteria: Invitae Variant Classification Sherloc (09022015). Collection method: clinical testing. Allele origin: germline.
Comment: This sequence change creates a premature translational stop signal (p.Arg41*) in the ALG8 gene. It is expected to result in an absent or disrupted protein product. Loss-of-function variants in ALG8 are known to be pathogenic (PMID: 19862844). This variant is present in population databases (rs200888240, gnomAD 0.007%). This premature translational stop signal has been observed in individual(s) with ALG8-related conditions (PMID: 36574950). ClinVar contains an entry for this variant (Variation ID: 96090). Algorithms developed to predict the effect of sequence changes on RNA splicing suggest that this variant may disrupt the consensus splice site. For these reasons, this variant has been classified as Pathogenic.

Victorian Clinical Genetics Services, Murdoch Childrens Research Institute
Classification: Pathogenic for ALG8 congenital disorder of glycosylation. Last evaluated: 2024-10-08. Review status: criteria provided, single submitter. Criteria: ACMG Guidelines, 2015. Collection method: clinical testing. Allele origin: germline. Inheritance: Autosomal recessive inheritance. Affected: yes.
Comment: Based on the classification scheme VCGS_Germline_v1.3.4, this variant is classified as Pathogenic. Following criteria are met: 0102 - Loss of function is a known mechanism of disease in this gene and is associated with congenital disorder of glycosylation, type Ih (MIM#608104) and polycystic liver disease 3 with or without kidney cysts (MIM#617874). (I) 0108 - This gene is associated with both recessive and dominant disease, where the same variants have been reported to cause both conditions (PMID: 28375157; 26066342). (I) 0201 - Variant is predicted to cause nonsense-mediated decay (NMD) and loss of protein (premature termination codon is located at least 54 nucleotides upstream of the final exon-exon junction). (SP) 0251 - This variant is heterozygous. (I) 0304 - Variant is present in gnomAD (v3) <0.01 (7 heterozygotes, 0 homozygotes). (SP) 0701 - Many other NMD-predicted variants comparable to the one identified in this case have very strong previous evidence for pathogenicity (DECIPHER). (SP) 0801 - This variant has strong previous evidence of pathogenicity in unrelated individuals. This variant has been classified as pathogenic or likely pathogenic by multiple clinical laboratories in ClinVar, and has been observed in one compound heterozygous individual with p.(Arg41Gln) with congenital disorder of glycosylation related features (PMID: 35716054). (SP) 1201 - Heterozygous variant detected in trans with a second likely pathogenic heterozygous variant (NM_024079.4(ALG8): c.122G>A; p.(Arg41Gln)) in a recessive disease. (I) 1207 - Parental origin of the variant is unresolved (duo analysis, father not tested). (I) Legend: (SP) - Supporting pathogenic, (I) - Information, (SB) - Supporting benign

Fulgent Genetics
Classification: Likely pathogenic for ALG8 congenital disorder of glycosylation; Polycystic liver disease 3 with or without kidney cysts. Last evaluated: 2022-05-08. Review status: criteria provided, single submitter. Criteria: ACMG Guidelines, 2015. Collection method: clinical testing. Allele origin: unknown.

Genomic Research Center, Shahid Beheshti University of Medical Sciences
Classification: Pathogenic. Last evaluated: 2020-05-03. Review status: criteria provided, single submitter. Criteria: ACMG Guidelines, 2015. Collection method: clinical testing. Allele origin: unknown. Affected: no.

Baylor Genetics
Classification: Pathogenic for ALG8 congenital disorder of glycosylation. Last evaluated: 2018-09-22. Review status: criteria provided, single submitter. Criteria: ACMG Guidelines, 2015. Collection method: clinical testing. Allele origin: paternal. Affected: yes.
Comment: This variant was determined to be pathogenic according to ACMG Guidelines, 2015 [PMID:25741868].

Eurofins Ntd Llc (ga)
Classification: Pathogenic. Last evaluated: 2012-12-21. Review status: criteria provided, single submitter. Criteria: EGL Classification Definitions. Collection method: clinical testing. Allele origin: germline. Observed: 2 variant alleles, 2 heterozygotes.

Clinical Genetics Service, Universitary Hospital 12 de Octubre
Classification: Pathogenic for Polycystic liver disease 3 with or without kidney cysts. Review status: criteria provided, single submitter. Criteria: ACMG Guidelines, 2015. Collection method: clinical testing. Allele origin: germline. Affected: yes.

Literature cited by the submitters: PubMed 35716054 (cited by Dasa and Victorian Clinical Genetics Services, Murdoch Childrens Research Institute); PubMed 39899384 (cited by Mayo Translational Polycystic Kidney Disease Center, Mayo Clinic); PubMed 19862844 (cited by Labcorp Genetics (formerly Invitae), Labcorp); PubMed 36574950 (cited by Labcorp Genetics (formerly Invitae), Labcorp); PubMed 26066342 (cited by Victorian Clinical Genetics Services, Murdoch Childrens Research Institute); PubMed 28375157 (cited by Victorian Clinical Genetics Services, Murdoch Childrens Research Institute).